The following is an entry in ClinVar:

NM_024844.5(NUP85):c.1285G>A (p.Glu429Lys)

Gene: NUP85 (nucleoporin 85; plus strand). Cytogenetic location: 17q25.1.
Variant type: single nucleotide variant.
Coding change: c.1285G>A on transcript NM_024844.5 (MANE Select); coding-DNA position 1285, G replaced by A.
Protein change: p.Glu429Lys; replaces glutamic acid 429 with lysine.
Molecular consequence: missense variant.
Genome position (GRCh38, 1-based): chr17:75,231,868, G>A. VCF-style: chr17-75231868-G-A. GRCh37 (hg19) VCF-style: chr17-73227963-G-A.
Other names: c.1147G>A, p.Glu383Lys (NM_001303276.2); c.1150G>A, p.Glu384Lys (NM_001330472.2); short protein forms E429K, E383K, E384K.
Identifiers: ClinVar variation 1991372 (VCV001991372.5), dbSNP rs753666447, ClinGen allele CA8758806.

ClinVar aggregate classification (germline): Conflicting classifications of pathogenicity. Review status: criteria provided, conflicting classifications (1 of 4 stars). 2 submissions from 2 submitters: Uncertain significance (1); Likely benign (1). Last evaluated 2025-06-12.

Allele frequency attached by ClinVar (database versions not stated): gnomAD 0.00001; ExAC 0.00002; TOPMed 0.00002.
gnomAD v4.1: 9 of 1,614,010 alleles (0.00056%); highest among the groups gnomAD compares: East Asian, 0.0022%; no homozygotes.

Submissions (2):

Labcorp Genetics (formerly Invitae), Labcorp
Classification: Uncertain significance. Last evaluated: 2025-06-12. Review status: criteria provided, single submitter. Criteria: Invitae Variant Classification Sherloc (09022015). Collection method: clinical testing. Allele origin: germline.
Comment: This sequence change replaces glutamic acid, which is acidic and polar, with lysine, which is basic and polar, at codon 429 of the NUP85 protein (p.Glu429Lys). This variant is present in population databases (rs753666447, gnomAD 0.006%). This variant has not been reported in the literature in individuals affected with NUP85-related conditions. ClinVar contains an entry for this variant (Variation ID: 1991372). An algorithm developed to predict the effect of missense changes on protein structure and function outputs the following: PolyPhen-2: "Benign". The lysine amino acid residue is found in multiple mammalian species, which suggests that this missense change does not adversely affect protein function. In summary, the available evidence is currently insufficient to determine the role of this variant in disease. Therefore, it has been classified as a Variant of Uncertain Significance.

Ambry Genetics
Classification: Likely benign. Last evaluated: 2022-11-18. Review status: criteria provided, single submitter. Criteria: Ambry Variant Classification Scheme 2023. Collection method: clinical testing. Allele origin: germline.